The following is an entry in ClinVar:

ClinVar aggregate classification (germline): Uncertain significance (1 of 4 stars; one submission).

Conditions:
Hereditary pancreatitis (PCTT). Also called: Hereditary chronic pancreatitis; PRSS1-Related Hereditary Pancreatitis. Identifiers: Orphanet 676, MedGen C0238339, MONDO:0008185, OMIM 167800.

Submission:

Ambry Genetics
Classification: Uncertain significance for Hereditary pancreatitis. Last evaluated: 2026-06-24. Review status: criteria provided, single submitter. Criteria: Ambry Variant Classification Scheme 2023. Collection method: clinical testing. Allele origin: germline.
Comment: The p.W53R variant (also known as c.157T>A), located in coding exon 3 of the CPA1 gene, results from a T to A substitution at nucleotide position 157. The tryptophan at codon 53 is replaced by arginine, an amino acid with dissimilar properties. This amino acid position is conserved. In addition, this alteration is predicted to be deleterious by in silico analysis. Based on the available evidence, the clinical significance of this variant remains unclear.

NM_001868.4(CPA1):c.157T>A (p.Trp53Arg)

Gene: CPA1 (carboxypeptidase A1; plus strand). Cytogenetic location: 7q32.2.
Variant type: single nucleotide variant.
Coding change: c.157T>A on transcript NM_001868.4 (MANE Select); coding-DNA position 157, T replaced by A.
Protein change: p.Trp53Arg; replaces tryptophan 53 with arginine.
Molecular consequence: missense variant.
Genome position (GRCh38, 1-based): chr7:130,381,639, T>A. VCF-style: chr7-130381639-T-A. GRCh37 (hg19) VCF-style: chr7-130021480-T-A.
Other names: short protein forms W53R.
Identifiers: ClinVar variation 5034904 (VCV005034904.1).